The following is an entry in ClinVar:

ClinVar aggregate classification (germline): Conflicting classifications of pathogenicity. Review status: criteria provided, conflicting classifications (1 of 4 stars). 5 submissions from 4 submitters: Uncertain significance (4); Benign (1). Last evaluated 2026-03-19.

Conditions:
Joubert syndrome 32 (JBTS32). Identifiers: MedGen C4540342, MONDO:0033309, OMIM 617757.
Familial meningioma. Also called: Meningioma, familial, susceptibility to. Identifiers: Orphanet 263662, MedGen C3551915, MONDO:0011789, OMIM 607174.
Hereditary cancer-predisposing syndrome. Also called: Hereditary Cancer Syndrome; Tumor predisposition; Hereditary neoplastic syndrome; Neoplastic Syndromes, Hereditary. Identifiers: Orphanet 140162, MedGen C0027672, MeSH D009386, MONDO:0015356.
Gorlin syndrome. Also called: Nevoid Basal Cell Carcinoma Syndrome; Basal cell nevus syndrome. Identifiers: Orphanet 377, MedGen C0004779, MONDO:0007187.
Medulloblastoma (MDB). Also called: MEDULLOBLASTOMA PREDISPOSITION SYNDROME; Medulloblastoma, somatic. Identifiers: Orphanet 616, MedGen C0025149, MeSH D008527, MONDO:0007959, OMIM 155255, HP:0002885.

Allele frequency attached by ClinVar (database versions not stated): TOPMed 0.00004; ExAC 0.00004; gnomAD exomes 0.00002; gnomAD 0.00005.
gnomAD v4.1: 78 of 1,569,828 alleles (0.005%); highest among the groups gnomAD compares: Non-Finnish European, 0.0064%; no homozygotes.

Submissions (5):

Ambry Genetics
Classification: Benign for Hereditary cancer-predisposing syndrome. Last evaluated: 2026-03-19. Review status: criteria provided, single submitter. Criteria: Ambry Variant Classification Scheme 2023. Collection method: clinical testing. Allele origin: germline.

Labcorp Genetics (formerly Invitae), Labcorp
Classification: Uncertain significance for Gorlin syndrome; Medulloblastoma. Last evaluated: 2026-01-11. Review status: criteria provided, single submitter. Criteria: Invitae Variant Classification Sherloc (09022015). Collection method: clinical testing. Allele origin: germline.
Comment: This sequence change replaces proline, which is neutral and non-polar, with threonine, which is neutral and polar, at codon 15 of the SUFU protein (p.Pro15Thr). The frequency data for this variant in the population databases is considered unreliable, as metrics indicate poor data quality at this position in the gnomAD database. This variant has not been reported in the literature in individuals affected with SUFU-related conditions. ClinVar contains an entry for this variant (Variation ID: 453965). An algorithm developed to predict the effect of missense changes on protein structure and function (PolyPhen-2) suggests that this variant is likely to be disruptive. In summary, the available evidence is currently insufficient to determine the role of this variant in disease. Therefore, it has been classified as a Variant of Uncertain Significance.

GeneDx
Classification: Uncertain significance. Last evaluated: 2024-07-12. Review status: criteria provided, single submitter. Criteria: GeneDx Variant Classification Process June 2021. Collection method: clinical testing. Allele origin: germline.
Comment: Not observed at significant frequency in large population cohorts (gnomAD); In silico analysis indicates that this missense variant does not alter protein structure/function; Has not been previously published as pathogenic or benign to our knowledge

Baylor Genetics
Classification: Uncertain significance for Familial meningioma. Last evaluated: 2023-12-14. Review status: criteria provided, single submitter. Criteria: ACMG Guidelines, 2015. Collection method: clinical testing. Allele origin: unknown.

Baylor Genetics
Classification: Uncertain significance for Joubert syndrome 32. Last evaluated: 2019-01-13. Review status: criteria provided, single submitter. Criteria: ACMG Guidelines, 2015. Collection method: clinical testing. Allele origin: unknown. Affected: yes. Study: CSER-TexasKidsCanSeq.
Comment: This variant was determined to be of uncertain significance according to ACMG Guidelines, 2015 [PMID:25741868].

NM_016169.4(SUFU):c.43C>A (p.Pro15Thr)

Genes: SUFU (SUFU negative regulator of hedgehog signaling; plus strand), LOC130004614 (ATAC-STARR-seq lymphoblastoid silent region 2764; plus strand). Cytogenetic location: 10q24.32.
Variant type: single nucleotide variant.
Coding change: c.43C>A on transcript NM_016169.4 (MANE Select); coding-DNA position 43, C replaced by A.
Protein change: p.Pro15Thr; replaces proline 15 with threonine.
Molecular consequence: missense variant.
Genome position (GRCh38, 1-based): chr10:102,504,195, C>A. VCF-style: chr10-102504195-C-A. GRCh37 (hg19) VCF-style: chr10-104263952-C-A.
Other names: c.43C>A, p.Pro15Thr (NM_001178133.2); short protein forms P15T.
Identifiers: ClinVar variation 453965 (VCV000453965.22), dbSNP rs761921681, ClinGen allele CA5667582.